The following is an entry in ClinVar:

ClinVar aggregate classification (germline): Uncertain significance (1 of 4 stars; one submission).

Submission:

Dasa
Classification: Uncertain significance. Last evaluated: 2024-12-02. Review status: criteria provided, single submitter. Criteria: DASA Assertion Criteria. Collection method: clinical testing. Allele origin: germline.
Comment: NM_181552.4(CUX1):c.1895-8T>C is a splice-region variant. This variant is absent from population databases. Computational prediction algorithms are consistent with a benign effect. The currently available literature and clinical evidence are not sufficient to establish a definitive association between this variant and the reported condition. Therefore, this variant is classified as a variant of uncertain significance.

NM_181552.4(CUX1):c.1895-8T>C

Genes: CUX1 (cut like homeobox 1; plus strand), LOC126860127 (CDK7 strongly-dependent group 2 enhancer GRCh37_chr7:101841732-101842931; plus strand). Cytogenetic location: 7q22.1.
Variant type: single nucleotide variant.
Coding change: c.1895-8T>C on transcript NM_181552.4 (MANE Select); 8 bases into the intron before coding-DNA position 1895, T replaced by C.
Molecular consequence: intron variant.
Genome position (GRCh38, 1-based): chr7:102,198,794, T>C. VCF-style: chr7-102198794-T-C. GRCh37 (hg19) VCF-style: chr7-101842074-T-C.
Other names: c.1255+3191T>C (NM_001913.5); c.1249+3191T>C (NM_181500.4); c.1117+3191T>C (NM_001202545.3); c.1207+3191T>C (NM_001202544.3); c.1138+3191T>C (NM_001202546.3); c.1928-8T>C (NM_001202543.2).
Identifiers: ClinVar variation 4881262 (VCV004881262.2).